The following is an entry in ClinVar:

ClinVar aggregate classification (germline): Pathogenic (1 of 4 stars; one submission).

Submission:

GeneDx
Classification: Pathogenic. Last evaluated: 2021-12-30. Review status: criteria provided, single submitter. Criteria: GeneDx Variant Classification Process June 2021. Collection method: clinical testing. Allele origin: germline. Affected: yes.
Comment: Frameshift variant predicted to result in protein truncation or nonsense mediated decay in a gene for which loss-of-function is a known mechanism of disease; Not observed in large population cohorts (Lek et al., 2016); Has not been previously published as pathogenic or benign to our knowledge

NM_017617.5(NOTCH1):c.6045del (p.Asn2016fs)

Genes: NOTCH1 (notch receptor 1; minus strand), LOC126860794 (BRD4-independent group 4 enhancer GRCh37_chr9:139392592-139393791; plus strand). Cytogenetic location: 9q34.3.
Variant type: Deletion.
Coding change: c.6045del on transcript NM_017617.5 (MANE Select); coding-DNA position 6045, one base deleted (C; older notation c.6045delC).
Protein change: p.Asn2016fs; shifts the reading frame from asparagine 2016.
Molecular consequence: frameshift variant.
Genome position (GRCh38, 1-based): chr9:136,499,149, G deleted on the plus strand (C on the coding strand, the reverse complement: NOTCH1 is on the minus strand). VCF-style (leftmost placement, unchanged base first): chr9-136499148-TG-T. GRCh37 (hg19) VCF-style: chr9-139393600-TG-T.
Other names: c.6045del, p.Asn2016fs (LRG_1122t1); c.6045delC (NM_017617.3); short protein forms N2016fs.
Identifiers: ClinVar variation 504027 (VCV000504027.5), dbSNP rs1554826736, ClinGen allele CA658797365.